The following is an entry in ClinVar:

ClinVar aggregate classification (germline): Uncertain significance. Review status: reviewed by expert panel (3 of 4 stars). 3 submissions from 3 submitters: Uncertain significance (1). 2 of the submissions do not count toward it. Last evaluated 2024-09-25.

Conditions:
Hereditary thrombocytopenia and hematologic cancer predisposition syndrome. Identifiers: Orphanet 71290, MedGen CN281654, MONDO:0011071.
Inborn genetic diseases. Identifiers: MedGen C0950123, MeSH D030342.
Hereditary thrombocytopenia and hematological cancer predisposition syndrome associated with RUNX1. Also called: Familial Platelet Disorder with Propensity to Acute Myelogenous Leukemia; Familial thrombocytopenia with propensity to acute myelogenous leukemia; PLATELET DISORDER, ASPIRIN-LIKE; RUNX1 Familial Platelet Disorder with Associated Myeloid Malignancies. Identifiers: Orphanet 71290, MedGen C1832388, MeSH C563324, MONDO:0100083, OMIM 601399.

Submissions (3):

ClinGen Myeloid Malignancy Variant Curation Expert Panel
Classification: Uncertain significance for Hereditary thrombocytopenia and hematologic cancer predisposition syndrome. Last evaluated: 2024-09-25. Review status: reviewed by expert panel. Criteria: ClinGen MyeloMalig ACMG Specifications v2. Collection method: curation. Allele origin: germline. Inheritance: Autosomal dominant inheritance.
Comment: NM_001754.5(RUNX1):c.968-3C>T is an intronic variant which is not predicted to impact splicing. This variant has a SpliceAI score ≤ 0.20 (0.0) (BP4). In summary, the clinical significance of this variant is uncertain. ACMG/AMP criteria applied, as specified by the Myeloid Malignancy Variant Curation Expert Panel for RUNX1: BP4.

Ambry Genetics
Classification: Uncertain significance for Inborn genetic diseases. Last evaluated: 2025-03-19. Review status: criteria provided, single submitter. Criteria: Ambry Variant Classification Scheme 2023. Collection method: clinical testing. Allele origin: germline. Not counted in ClinVar's aggregate classification.
Comment: The c.968-3C>T intronic variant results from a C to T substitution 3 nucleotides upstream from coding exon 8 in the RUNX1 gene. This nucleotide position is highly conserved in available vertebrate species. In silico splice site analysis predicts that this alteration will not have any significant effect on splicing. Based on the available evidence, the clinical significance of this variant remains unclear.

Labcorp Genetics (formerly Invitae), Labcorp
Classification: Likely benign for Hereditary thrombocytopenia and hematological cancer predisposition syndrome associated with RUNX1. Last evaluated: 2023-11-27. Review status: criteria provided, single submitter. Criteria: Invitae Variant Classification Sherloc (09022015). Collection method: clinical testing. Allele origin: germline. Not counted in ClinVar's aggregate classification.

NM_001754.5(RUNX1):c.968-3C>T

Gene: RUNX1 (RUNX family transcription factor 1; minus strand). Cytogenetic location: 21q22.12.
Variant type: single nucleotide variant.
Coding change: c.968-3C>T on transcript NM_001754.5 (MANE Select); 3 bases into the intron before coding-DNA position 968, C replaced by T.
Molecular consequence: intron variant.
Genome position (GRCh38, 1-based): chr21:34,792,613, G>A on the plus strand (C>T on the coding strand, the complement: RUNX1 is on the minus strand). VCF-style: chr21-34792613-G-A. GRCh37 (hg19) VCF-style: chr21-36164910-G-A.
Other names: c.887-3C>T (NM_001001890.3); c.968-3C>T (NM_001754.4).
Identifiers: ClinVar variation 1368262 (VCV001368262.8), dbSNP rs2145878614, ClinGen allele CA2573157365.